The following is an entry in ClinVar:

ClinVar aggregate classification (germline): Uncertain significance (1 of 4 stars; one submission).

Submission:

Ambry Genetics
Classification: Uncertain significance. Last evaluated: 2024-11-20. Review status: criteria provided, single submitter. Criteria: Ambry Variant Classification Scheme 2023. Collection method: clinical testing. Allele origin: germline.
Comment: The p.D149Y variant (also known as c.445G>T), located in coding exon 3 of the GEN1 gene, results from a G to T substitution at nucleotide position 445. The aspartic acid at codon 149 is replaced by tyrosine, an amino acid with highly dissimilar properties. This amino acid position is conserved. In addition, this alteration is predicted to be deleterious by in silico analysis. Based on the available evidence, the clinical significance of this variant remains unclear.

NM_001130009.3(GEN1):c.445G>T (p.Asp149Tyr)

Gene: GEN1 (GEN1 Holliday junction 5' flap endonuclease; plus strand). Cytogenetic location: 2p24.2.
Variant type: single nucleotide variant.
Coding change: c.445G>T on transcript NM_001130009.3 (MANE Select); coding-DNA position 445, G replaced by T.
Protein change: p.Asp149Tyr; replaces aspartic acid 149 with tyrosine.
Molecular consequence: missense variant.
Genome position (GRCh38, 1-based): chr2:17,764,993, G>T. VCF-style: chr2-17764993-G-T. GRCh37 (hg19) VCF-style: chr2-17946260-G-T.
Other names: c.445G>T, p.Asp149Tyr (NM_182625.5); short protein forms D149Y.
Identifiers: ClinVar variation 3519718 (VCV003519718.1).